The following is an entry in ClinVar:

NM_001291303.3(FAT4):c.5402G>A (p.Arg1801Gln)

Gene: FAT4 (FAT atypical cadherin 4; plus strand). Cytogenetic location: 4q28.1.
Variant type: single nucleotide variant.
Coding change: c.5402G>A on transcript NM_001291303.3 (MANE Select); coding-DNA position 5402, G replaced by A.
Protein change: p.Arg1801Gln; replaces arginine 1801 with glutamine.
Molecular consequence: missense variant.
Genome position (GRCh38, 1-based): chr4:125,406,974, G>A. VCF-style: chr4-125406974-G-A. GRCh37 (hg19) VCF-style: chr4-126328129-G-A.
Other names: c.5402G>A, p.Arg1801Gln (NM_001291285.3, NM_024582.6); c.5402G>A (NM_024582.5); short protein forms R1801Q.
Identifiers: ClinVar variation 1923648 (VCV001923648.4), dbSNP rs753037535, ClinGen allele CA3072707.
Genomic context (GRCh38, chr4:125,406,974, plus strand): 5'-GTGGAGCTGATGATAGTTTTCGCATCGACCCAGAATCCGGAGATCTGATAGCAACCAGGC[G>A]GTTGGACAGGGAACGCCGCTCCAAATATTCACTGCTAGTTCGTGCTGATGATGGTCTTCA-3'
Protein context (NP_001278232.1, residues 1791-1811): PESGDLIATR[Arg1801Gln]LDRERRSKYS

ClinVar aggregate classification (germline): Uncertain significance. Review status: criteria provided, multiple submitters, no conflicts (2 of 4 stars). 2 submissions from 2 submitters: Uncertain significance (2). Last evaluated 2024-06-09.

Conditions:
Hennekam lymphangiectasia-lymphedema syndrome 2 (HKLLS2). Identifiers: Orphanet 2136, MedGen C4014939, MONDO:0014454, OMIM 616006.
Van Maldergem syndrome 2 (VMLDS2). Identifiers: Orphanet 314679, MedGen C3809875, MONDO:0014242, OMIM 615546.

Allele frequency attached by ClinVar (database versions not stated): ExAC 0.00003; gnomAD 0.00003; TOPMed 0.00003.
gnomAD v4.1: 48 of 1,613,658 alleles (0.003%); highest among the groups gnomAD compares: South Asian, 0.0055%; no homozygotes.

Submissions (2):

Fulgent Genetics
Classification: Uncertain significance for Van Maldergem syndrome 2; Hennekam lymphangiectasia-lymphedema syndrome 2. Last evaluated: 2024-06-09. Review status: criteria provided, single submitter. Criteria: ACMG Guidelines, 2015. Collection method: clinical testing. Allele origin: germline.

Labcorp Genetics (formerly Invitae), Labcorp
Classification: Uncertain significance. Last evaluated: 2022-03-24. Review status: criteria provided, single submitter. Criteria: Invitae Variant Classification Sherloc (09022015). Collection method: clinical testing. Allele origin: germline.
Comment: In summary, the available evidence is currently insufficient to determine the role of this variant in disease. Therefore, it has been classified as a Variant of Uncertain Significance. Advanced modeling of protein sequence and biophysical properties (such as structural, functional, and spatial information, amino acid conservation, physicochemical variation, residue mobility, and thermodynamic stability) performed at Invitae indicates that this missense variant is not expected to disrupt FAT4 protein function. This variant has not been reported in the literature in individuals affected with FAT4-related conditions. This variant is present in population databases (rs753037535, gnomAD 0.008%). This sequence change replaces arginine, which is basic and polar, with glutamine, which is neutral and polar, at codon 1801 of the FAT4 protein (p.Arg1801Gln).